The following is an entry in ClinVar:

ClinVar aggregate classification (germline): Likely benign. Review status: criteria provided, multiple submitters, no conflicts (2 of 4 stars). 3 submissions from 3 submitters: Likely benign (3). Last evaluated 2025-11-26.

Conditions:
BAP1-related tumor predisposition syndrome (TPDS1). Also called: COMMON Syndrome; BAP1 tumor predisposition syndrome; TUMOR PREDISPOSITION SYNDROME 1; Tumor susceptibility linked to germline BAP1 mutations. Identifiers: Orphanet 289539, MedGen C3280492, MONDO:0013692, OMIM 614327.
Hereditary cancer-predisposing syndrome. Also called: Hereditary neoplastic syndrome; Hereditary Cancer Syndrome; Tumor predisposition; Neoplastic Syndromes, Hereditary. Identifiers: Orphanet 140162, MedGen C0027672, MeSH D009386, MONDO:0015356.

Allele frequency attached by ClinVar (database versions not stated): gnomAD exomes below 0.00001.
gnomAD v4.1: 2 of 1,614,142 alleles (0.00012%); highest among the groups gnomAD compares: Admixed American, 0.0017%; no homozygotes.

Submissions (3):

Labcorp Genetics (formerly Invitae), Labcorp
Classification: Likely benign for BAP1-related tumor predisposition syndrome. Last evaluated: 2025-11-26. Review status: criteria provided, single submitter. Criteria: Invitae Variant Classification Sherloc (09022015). Collection method: clinical testing. Allele origin: germline.

Myriad Genetics, Inc.
Classification: Likely benign for BAP1-related tumor predisposition syndrome. Last evaluated: 2024-07-17. Review status: criteria provided, single submitter. Criteria: Myriad Autosomal Dominant, Autosomal Recessive and X-Linked Classification Criteria (2023). Collection method: clinical testing. Allele origin: unknown.
Comment: This variant is considered likely benign. This variant is intronic and is not expected to impact mRNA splicing.

Color Diagnostics, LLC DBA Color Health
Classification: Likely benign for Hereditary cancer-predisposing syndrome. Last evaluated: 2024-04-02. Review status: criteria provided, single submitter. Criteria: ACMG Guidelines, 2015. Collection method: clinical testing. Allele origin: germline.

NM_004656.4(BAP1):c.1984-7C>T

Gene: BAP1 (BRCA1 associated deubiquitinase 1; minus strand). Cytogenetic location: 3p21.1.
Variant type: single nucleotide variant.
Coding change: c.1984-7C>T on transcript NM_004656.4 (MANE Select); 7 bases into the intron before coding-DNA position 1984, C replaced by T.
Molecular consequence: intron variant.
Genome position (GRCh38, 1-based): chr3:52,402,681, G>A on the plus strand (C>T on the coding strand, the complement: BAP1 is on the minus strand). VCF-style: chr3-52402681-G-A. GRCh37 (hg19) VCF-style: chr3-52436697-G-A.
Identifiers: ClinVar variation 1129328 (VCV001129328.9), dbSNP rs1559585153, ClinGen allele CA543056496.